The following is an entry in ClinVar:

ClinVar aggregate classification (germline): Uncertain significance (1 of 4 stars; one submission).

Conditions:
Hereditary cancer-predisposing syndrome. Also called: Hereditary Cancer Syndrome; Hereditary neoplastic syndrome; Neoplastic Syndromes, Hereditary; Tumor predisposition. Identifiers: Orphanet 140162, MedGen C0027672, MeSH D009386, MONDO:0015356.

Submission:

Ambry Genetics
Classification: Uncertain significance for Hereditary cancer-predisposing syndrome. Last evaluated: 2025-06-13. Review status: criteria provided, single submitter. Criteria: Ambry Variant Classification Scheme 2023. Collection method: clinical testing. Allele origin: germline.
Comment: The p.W877G variant (also known as c.2629T>G), located in coding exon 7 of the PALB2 gene, results from a T to G substitution at nucleotide position 2629. The tryptophan at codon 877 is replaced by glycine, an amino acid with highly dissimilar properties. This amino acid position is conserved. In addition, the in silico prediction for this alteration is inconclusive. Based on the available evidence, the clinical significance of this variant remains unclear.

NM_024675.4(PALB2):c.2629T>G (p.Trp877Gly)

Gene: PALB2 (partner and localizer of BRCA2; minus strand). Cytogenetic location: 16p12.2.
Variant type: single nucleotide variant.
Coding change: c.2629T>G on transcript NM_024675.4 (MANE Select); coding-DNA position 2629, T replaced by G.
Protein change: p.Trp877Gly; replaces tryptophan 877 with glycine.
Molecular consequence: missense variant. On other transcripts: intron variant (3).
Genome position (GRCh38, 1-based): chr16:23,626,355, A>C on the plus strand (T>G on the coding strand, the complement: PALB2 is on the minus strand). VCF-style: chr16-23626355-A-C. GRCh37 (hg19) VCF-style: chr16-23637676-A-C.
Other names: c.2569T>G, p.Trp857Gly (NM_001407296.1); c.2557T>G, p.Trp853Gly (NM_001407297.1); c.2629T>G, p.Trp877Gly (NM_001407299.1, NM_001407300.1, NM_001407301.1); c.1744T>G, p.Trp582Gly (NM_001407304.1, NM_001407305.1, NM_001407306.1 and 4 more transcripts); c.841T>G, p.Trp281Gly (NM_001407312.1, NM_001407313.1); c.163T>G, p.Trp55Gly (NM_001407314.1); c.2587-2261T>G (NM_001407302.1, NM_001407298.1); c.1702-2261T>G (NM_001407307.1); short protein forms W281G, W55G, W582G, W857G, W853G, W877G.
Identifiers: ClinVar variation 3927466 (VCV003927466.1).